The following is an entry in ClinVar:

NM_007294.3:c.134+19insT

Gene: BRCA1 (BRCA1 DNA repair associated; minus strand). Cytogenetic location: 17q21.31.
Variant type: Insertion.
Identifiers: ClinVar variation 182083 (VCV000182083.2).

ClinVar aggregate classification (germline): Benign (1 of 4 stars; one submission).

Conditions:
Familial cancer of breast. Also called: BREAST CANCER, FAMILIAL; Hereditary breast cancer; hereditary breast carcinoma. Identifiers: Orphanet 227535, MedGen C0346153, MONDO:0016419, OMIM 114480. Disease mechanism: loss of function.

Submission:

GeneDx
Classification: Benign for Familial cancer of breast. Last evaluated: 2014-07-08. Review status: criteria provided, single submitter. Criteria: GeneDx Variant Classification (06012015). Collection method: clinical testing. Allele origin: germline. Affected: yes.
Comment: The variant is found in BRCA panel(s).